The following is an entry in ClinVar:

ClinVar aggregate classification (germline): Benign (1 of 4 stars; one submission).

Allele frequency attached by ClinVar (database versions not stated): 1000 Genomes Project 30x 0.40522; TOPMed 0.41309; gnomAD 0.41384 and 0.41440; gnomAD exomes 0.44733.
gnomAD v4.1: 341,592 of 777,120 alleles (44%); highest among the groups gnomAD compares: East Asian, 59%; 77,593 homozygotes.

Submission:

GeneDx
Classification: Benign. Last evaluated: 2018-06-19. Review status: criteria provided, single submitter. Criteria: GeneDx Variant Classification (06012015). Collection method: clinical testing. Allele origin: germline. Affected: yes.
Comment: This variant is considered likely benign or benign based on one or more of the following criteria: it is a conservative change, it occurs at a poorly conserved position in the protein, it is predicted to be benign by multiple in silico algorithms, and/or has population frequency not consistent with disease.

NM_001083961.2(WDR62):c.2035-125C>T

Gene: WDR62 (WD repeat domain 62; plus strand). Cytogenetic location: 19q13.12.
Variant type: single nucleotide variant.
Coding change: c.2035-125C>T on transcript NM_001083961.2 (MANE Select); 125 bases into the intron before coding-DNA position 2035, C replaced by T.
Molecular consequence: intron variant.
Genome position (GRCh38, 1-based): chr19:36,091,075, C>T. VCF-style: chr19-36091075-C-T. GRCh37 (hg19) VCF-style: chr19-36581977-C-T.
Other names: c.2035-125C>T (NM_173636.5).
Identifiers: ClinVar variation 672332 (VCV000672332.1), dbSNP rs4806270, ClinGen allele CA14641836.